The following is an entry in ClinVar:

NM_020708.5(SLC12A5):c.2376T>C (p.Ile792=)

Gene: SLC12A5 (solute carrier family 12 member 5; plus strand). Cytogenetic location: 20q13.12.
Variant type: single nucleotide variant.
Coding change: c.2376T>C on transcript NM_020708.5 (MANE Select); coding-DNA position 2376, T replaced by C.
Protein change: p.Ile792=; no amino-acid change (isoleucine 792 retained).
Molecular consequence: synonymous variant.
Genome position (GRCh38, 1-based): chr20:46,051,869, T>C. VCF-style: chr20-46051869-T-C. GRCh37 (hg19) VCF-style: chr20-44680508-T-C.
Other names: c.2445T>C, p.Ile815= (NM_001134771.2).
Identifiers: ClinVar variation 475649 (VCV000475649.45), dbSNP rs201525976, ClinGen allele CA9887580.

ClinVar aggregate classification (germline): Conflicting classifications of pathogenicity. Review status: criteria provided, conflicting classifications (1 of 4 stars). 4 submissions from 4 submitters: Uncertain significance (2); Likely benign (2). Last evaluated 2024-09-13.

Conditions:
Developmental and epileptic encephalopathy, 34 (DEE34). Also called: Early infantile epileptic encephalopathy 34; SLC12A5-Related Epilepsy of Infancy with Migrating Focal Seizures. Identifiers: Orphanet 293181, MedGen C4225257, MONDO:0014718, OMIM 616645.
Epilepsy, idiopathic generalized, susceptibility to, 14 (EIG14). Identifiers: MedGen C4225245, MONDO:0014734, OMIM 616685.

Allele frequency attached by ClinVar (database versions not stated): ExAC 0.00015; ESP Exome Variant Server 0.00015; gnomAD 0.00032; TOPMed 0.00073; 1000 Genomes Project 30x 0.00109; 1000 Genomes Project 0.00120.
gnomAD v4.1: 239 of 1,208,122 alleles (0.02%); highest among the groups gnomAD compares: African/African-American, 0.24%; 1 homozygote.

Submissions (4):

Blueprint Genetics
Classification: Likely benign. Last evaluated: 2024-09-13. Review status: criteria provided, single submitter. Criteria: ACMG Guidelines, 2015. Collection method: clinical testing. Allele origin: germline.

CeGaT Center for Human Genetics Tuebingen
Classification: Likely benign. Last evaluated: 2023-05-01. Review status: criteria provided, single submitter. Criteria: CeGaT Center For Human Genetics Tuebingen Variant Classification Criteria Version 2. Collection method: clinical testing. Allele origin: germline. Affected: yes. Observed: 2 variant alleles.
Comment: SLC12A5: BP4, BP7

Labcorp Genetics (formerly Invitae), Labcorp
Classification: Uncertain significance for Developmental and epileptic encephalopathy, 34. Last evaluated: 2022-10-24. Review status: criteria provided, single submitter. Criteria: Invitae Variant Classification Sherloc (09022015). Collection method: clinical testing. Allele origin: germline.
Comment: This sequence change affects codon 792 of the SLC12A5 mRNA. It is a 'silent' change, meaning that it does not change the encoded amino acid sequence of the SLC12A5 protein. It affects a nucleotide within the consensus splice site. This variant is present in population databases (rs201525976, gnomAD 0.07%). This variant has not been reported in the literature in individuals affected with SLC12A5-related conditions. ClinVar contains an entry for this variant (Variation ID: 475649). Algorithms developed to predict the effect of sequence changes on RNA splicing suggest that this variant is not likely to affect RNA splicing. In summary, the available evidence is currently insufficient to determine the role of this variant in disease. Therefore, it has been classified as a Variant of Uncertain Significance.

New York Genome Center
Classification: Uncertain significance for Developmental and epileptic encephalopathy, 34; Epilepsy, idiopathic generalized, susceptibility to, 14. Last evaluated: 2021-02-09. Review status: criteria provided, single submitter. Criteria: NYGC Assertion Criteria 2020. Collection method: clinical testing. Allele origin: inherited. Observed: 1 heterozygote. Study: CSER-NYCKidSeq.